The following is an entry in ClinVar:

NM_000101.4(CYBA):c.370-1G>A

Gene: CYBA (cytochrome b-245 alpha chain; minus strand). Cytogenetic location: 16q24.2.
Variant type: single nucleotide variant.
Coding change: c.370-1G>A on transcript NM_000101.4 (MANE Select); the canonical splice acceptor site of the intron before coding-DNA position 370, G replaced by A.
Molecular consequence: splice acceptor variant.
Genome position (GRCh38, 1-based): chr16:88,643,572, C>T on the plus strand (G>A on the coding strand, the complement: CYBA is on the minus strand). VCF-style: chr16-88643572-C-T. GRCh37 (hg19) VCF-style: chr16-88709980-C-T.
Identifiers: ClinVar variation 3629942 (VCV003629942.1).

ClinVar aggregate classification (germline): Uncertain significance (1 of 4 stars; one submission).

gnomAD v4.1: 1 of 1,532,526 alleles (0.000065%); highest among the groups gnomAD compares: Admixed American, 0.002%; no homozygotes.

Submission:

Women's Health and Genetics/Laboratory Corporation of America, LabCorp
Classification: Uncertain significance. Last evaluated: 2024-11-21. Review status: criteria provided, single submitter. Criteria: LabCorp Variant Classification Summary - May 2015. Collection method: clinical testing. Allele origin: germline.
Comment: Variant summary: CYBA c.370-1G>A is located in a canonical splice-site and is predicted to affect mRNA splicing resulting in a significantly altered protein due to either exon skipping, shortening, or inclusion of intronic material. Variants that disrupt the consensus splice site are a relatively common cause of aberrant splicing and loss of CYBA function. Several computational tools predict a significant impact on normal splicing: Three predict the variant abolishes a 3' acceptor site. However, these predictions have yet to be confirmed by functional studies. This variant is located at the last intron-exon boundary, therefore is not anticipated to lead to nonsense mediated decay, it is expected to alter mRNA translation or result in a truncated protein product. The variant allele was found at a frequency of 7.7e-06 in 129300 control chromosomes (gnomAD). The variant, c.370-1G>A, has been reported in the literature in a homozygous individual affected with Chronic Granulomatous Disease (Venegas-Montoya_2016, Blancas-Galicia_2020, Roos_2021). These data indicate that the variant may be associated with disease. To our knowledge, no experimental evidence demonstrating an impact on protein function has been reported. The following publications have been ascertained in the context of this evaluation (PMID: 27437988, 32040803, 34547651). No submitters have cited clinical-significance assessments for this variant to ClinVar. Based on the evidence outlined above, the variant was classified as VUS-possibly pathogenic.

Literature cited by the submitters: PubMed 32040803; PubMed 34547651; PubMed 27437988.